The following is an entry in ClinVar:

NM_002485.5(NBN):c.1193A>G (p.Gln398Arg)

Gene: NBN (nibrin; minus strand). Cytogenetic location: 8q21.3.
Variant type: single nucleotide variant.
Coding change: c.1193A>G on transcript NM_002485.5 (MANE Select); coding-DNA position 1193, A replaced by G.
Protein change: p.Gln398Arg; replaces glutamine 398 with arginine.
Molecular consequence: missense variant.
Genome position (GRCh38, 1-based): chr8:89,955,487, T>C on the plus strand (A>G on the coding strand, the complement: NBN is on the minus strand). VCF-style: chr8-89955487-T-C. GRCh37 (hg19) VCF-style: chr8-90967715-T-C.
Other names: c.947A>G, p.Gln316Arg (NM_001024688.3); short protein forms Q398R, Q316R.
Identifiers: ClinVar variation 411749 (VCV000411749.18), dbSNP rs746965070, ClinGen allele CA4802783.

ClinVar aggregate classification (germline): Uncertain significance. Review status: criteria provided, multiple submitters, no conflicts (2 of 4 stars). 4 submissions from 4 submitters: Uncertain significance (4). Last evaluated 2024-12-02.

Conditions:
Microcephaly, normal intelligence and immunodeficiency (NBS). Also called: IMMUNODEFICIENCY, MICROCEPHALY, AND CHROMOSOMAL INSTABILITY; SEEMANOVA SYNDROME II; Immunodeficiency, microcephaly with normal intelligence; Ataxia telangiectasia variant V1; Nijmegen breakage syndrome; Microcephaly with normal intelligence immunodeficiency and lymphoreticular malignancies. Identifiers: Orphanet 647, MedGen C0398791, MONDO:0009623, OMIM 251260.
Hereditary cancer-predisposing syndrome. Also called: Hereditary neoplastic syndrome; Neoplastic Syndromes, Hereditary; Tumor predisposition; Hereditary Cancer Syndrome. Identifiers: Orphanet 140162, MedGen C0027672, MeSH D009386, MONDO:0015356.

Allele frequency attached by ClinVar (database versions not stated): gnomAD exomes 0.00001; ExAC 0.00002.
gnomAD v4.1: 4 of 1,613,650 alleles (0.00025%); highest among the groups gnomAD compares: South Asian, 0.0011%; no homozygotes.

Submissions (4):

Labcorp Genetics (formerly Invitae), Labcorp
Classification: Uncertain significance for Microcephaly, normal intelligence and immunodeficiency. Last evaluated: 2024-12-02. Review status: criteria provided, single submitter. Criteria: Invitae Variant Classification Sherloc (09022015). Collection method: clinical testing. Allele origin: germline.
Comment: This sequence change replaces glutamine, which is neutral and polar, with arginine, which is basic and polar, at codon 398 of the NBN protein (p.Gln398Arg). This variant is present in population databases (rs746965070, gnomAD 0.003%). This missense change has been observed in individual(s) with ovarian cancer (PMID: 26315354). ClinVar contains an entry for this variant (Variation ID: 411749). An algorithm developed to predict the effect of missense changes on protein structure and function outputs the following: PolyPhen-2: "Benign". The arginine amino acid residue is found in multiple mammalian species, which suggests that this missense change does not adversely affect protein function. In summary, the available evidence is currently insufficient to determine the role of this variant in disease. Therefore, it has been classified as a Variant of Uncertain Significance.

Ambry Genetics
Classification: Uncertain significance for Hereditary cancer-predisposing syndrome. Last evaluated: 2024-06-10. Review status: criteria provided, single submitter. Criteria: Ambry Variant Classification Scheme 2023. Collection method: clinical testing. Allele origin: germline.
Comment: The p.Q398R variant (also known as c.1193A>G), located in coding exon 10 of the NBN gene, results from an A to G substitution at nucleotide position 1193. The glutamine at codon 398 is replaced by arginine, an amino acid with highly similar properties. This variant was not reported in population based cohorts in the following databases: Database of Single Nucleotide Polymorphisms (dbSNP), NHLBI Exome Sequencing Project (ESP), and 1000 Genomes Project. In the ESP, this variant was not observed in 6502 samples (13004 alleles) with coverage at this position. To date, this alteration has been detected with an allele frequency of approximately 0.001% (greater than 175000 alleles tested) in our clinical cohort. This amino acid position is well conserved in available vertebrate species. In addition, this alteration is predicted to be tolerated by in silico analysis. Since supporting evidence is limited at this time, the clinical significance of this alteration remains unclear.

Women's Health and Genetics/Laboratory Corporation of America, LabCorp
Classification: Uncertain significance. Last evaluated: 2024-01-02. Review status: criteria provided, single submitter. Criteria: LabCorp Variant Classification Summary - May 2015. Collection method: clinical testing. Allele origin: germline.
Comment: Variant summary: NBN c.1193A>G (p.Gln398Arg) results in a conservative amino acid change in the encoded protein sequence. Five of five in-silico tools predict a benign effect of the variant on protein function. The variant allele was found at a frequency of 1.2e-05 in 250962 control chromosomes. The available data on variant occurrences in the general population are insufficient to allow any conclusion about variant significance. c.1193A>G has been reported in the literature in one individual affected with ovarian cancer. These report(s) do not provide unequivocal conclusions about association of the variant with Nijmegen Breakage Syndrome. To our knowledge, no experimental evidence demonstrating an impact on protein function has been reported. The following publication have been ascertained in the context of this evaluation (PMID: 26315354). Three submitters have cited clinical-significance assessments for this variant to ClinVar after 2014. All submitters classified the variant as uncertain significance. Based on the evidence outlined above, the variant was classified as uncertain significance.

Genome-Nilou Lab
Classification: Uncertain significance for Microcephaly, normal intelligence and immunodeficiency. Last evaluated: 2021-11-07. Review status: criteria provided, single submitter. Criteria: ACMG Guidelines, 2015. Collection method: clinical testing. Allele origin: germline. Affected: no.

Literature cited by the submitters: PubMed 26315354 (cited by Labcorp Genetics (formerly Invitae), Labcorp and Women's Health and Genetics/Laboratory Corporation of America, LabCorp).